The following is an entry in ClinVar:

NM_001130009.3(GEN1):c.991-3T>C

Gene: GEN1 (GEN1 structure-specific endonuclease; plus strand). Cytogenetic location: 2p24.2.
Variant type: single nucleotide variant.
Coding change: c.991-3T>C on transcript NM_001130009.3 (MANE Select); 3 bases into the intron before coding-DNA position 991, T replaced by C.
Molecular consequence: intron variant.
Genome position (GRCh38, 1-based): chr2:17,773,216, T>C. VCF-style: chr2-17773216-T-C. GRCh37 (hg19) VCF-style: chr2-17954483-T-C.
Other names: c.991-3T>C (NM_182625.5).
Identifiers: ClinVar variation 1478571 (VCV001478571.6), dbSNP rs754094348, ClinGen allele CA43351504.

ClinVar aggregate classification (germline): Uncertain significance (1 of 4 stars; one submission).

Allele frequency attached by ClinVar (database versions not stated): gnomAD exomes below 0.00001 and 0.00001; TOPMed 0.00001.
gnomAD v4.1: 19 of 1,590,496 alleles (0.0012%); highest among the groups gnomAD compares: Non-Finnish European, 0.0015%; no homozygotes.

Submission:

Labcorp Genetics (formerly Invitae), Labcorp
Classification: Uncertain significance. Last evaluated: 2024-02-10. Review status: criteria provided, single submitter. Criteria: Invitae Variant Classification Sherloc (09022015). Collection method: clinical testing. Allele origin: germline.
Comment: This sequence change falls in intron 9 of the GEN1 gene. It does not directly change the encoded amino acid sequence of the GEN1 protein. It affects a nucleotide within the consensus splice site. The frequency data for this variant in the population databases is considered unreliable, as metrics indicate poor data quality at this position in the gnomAD database. This variant has not been reported in the literature in individuals affected with GEN1-related conditions. ClinVar contains an entry for this variant (Variation ID: 1478571). Variants that disrupt the consensus splice site are a relatively common cause of aberrant splicing (PMID: 17576681, 9536098). Algorithms developed to predict the effect of sequence changes on RNA splicing suggest that this variant is not likely to affect RNA splicing. In summary, the available evidence is currently insufficient to determine the role of this variant in disease. Therefore, it has been classified as a Variant of Uncertain Significance.

Literature cited by the submitters: PubMed 17576681; PubMed 9536098.